The following is an entry in ClinVar:

NM_017635.5(KMT5B):c.329C>G (p.Ser110Ter)

Gene: KMT5B (lysine methyltransferase 5B; minus strand). Cytogenetic location: 11q13.2.
Variant type: single nucleotide variant.
Coding change: c.329C>G on transcript NM_017635.5 (MANE Select); coding-DNA position 329, C replaced by G.
Protein change: p.Ser110Ter; replaces serine 110 with a stop codon.
Molecular consequence: nonsense. On other transcripts: 5 prime UTR variant (8), non-coding transcript variant (3), intron variant (2).
Genome position (GRCh38, 1-based): chr11:68,180,180, G>C on the plus strand (C>G on the coding strand, the complement: KMT5B is on the minus strand). VCF-style: chr11-68180180-G-C. GRCh37 (hg19) VCF-style: chr11-67947647-G-C.
Other names: c.-256C>G (NM_001300907.1); c.-339C>G (NM_001300908.2); c.329C>G, p.Ser110Ter (NM_001363566.2, NM_001369426.1, NM_001369427.1 and 1 more transcripts); c.-335C>G (NM_001369424.1, NM_001369431.1, NM_001369432.1); c.116C>G, p.Ser39Ter (NM_001369425.1); c.-549C>G (NM_001369428.1); c.-188C>G (NM_001369429.1); c.-850C>G (NM_001369433.1); and 2 more; short protein forms S110*, S39*.
Identifiers: ClinVar variation 976356 (VCV000976356.2), dbSNP rs1856779339, ClinGen allele CA381608408.

ClinVar aggregate classification (germline): Pathogenic (1 of 4 stars; one submission).

Conditions:
Intellectual developmental disorder, autosomal dominant 51. Also called: MENTAL RETARDATION, AUTOSOMAL DOMINANT 51; Intellectual disability, autosomal dominant 51. Identifiers: Orphanet 684226, MedGen C4540474, MONDO:0030917, OMIM 617788.

Submission:

Institute of Human Genetics, University of Leipzig Medical Center
Classification: Pathogenic for Intellectual developmental disorder, autosomal dominant 51. Last evaluated: 2025-05-06. Review status: criteria provided, single submitter. Criteria: ACMG Guidelines, 2015. Collection method: clinical testing. Allele origin: unknown. Inheritance: Autosomal dominant inheritance. Affected: yes.
Comment: Criteria applied: PVS1,PM2